The following is an entry in ClinVar:

NM_004260.4(RECQL4):c.1774C>G (p.Pro592Ala)

Gene: RECQL4 (RecQ like helicase 4; minus strand). Cytogenetic location: 8q24.3.
Variant type: single nucleotide variant.
Coding change: c.1774C>G on transcript NM_004260.4 (MANE Select); coding-DNA position 1774, C replaced by G.
Protein change: p.Pro592Ala; replaces proline 592 with alanine.
Molecular consequence: missense variant.
Genome position (GRCh38, 1-based): chr8:144,514,293, G>C on the plus strand (C>G on the coding strand, the complement: RECQL4 is on the minus strand). VCF-style: chr8-144514293-G-C. GRCh37 (hg19) VCF-style: chr8-145739677-G-C.
Other names: c.1774C>G (NM_004260.3); c.1678C>G, p.Pro560Ala (NM_001413017.1, NM_001413020.1); c.1774C>G, p.Pro592Ala (NM_001413018.1, NM_001413019.1, NM_001413036.1); c.703C>G, p.Pro235Ala (NM_001413021.1, NM_001413022.1, NM_001413023.1 and 6 more transcripts); c.1645C>G, p.Pro549Ala (NM_001413025.1); c.637C>G, p.Pro213Ala (NM_001413027.1, NM_001413030.1, NM_001413032.1 and 1 more transcripts); c.1423C>G, p.Pro475Ala (NM_001413029.1); c.1744C>G, p.Pro582Ala (NM_001413039.1); and 2 more; short protein forms P225A, P549A, P560A, P592A, P103A, P475A, P582A, P213A.
Identifiers: ClinVar variation 1931872 (VCV001931872.6), dbSNP rs1235051312, ClinGen allele CA372680994.

ClinVar aggregate classification (germline): Uncertain significance. Review status: criteria provided, multiple submitters, no conflicts (2 of 4 stars). 2 submissions from 2 submitters: Uncertain significance (2). Last evaluated 2025-09-12.

Conditions:
Inborn genetic diseases. Identifiers: MedGen C0950123, MeSH D030342.
Baller-Gerold syndrome (BGS). Also called: CRANIOSYNOSTOSIS WITH RADIAL DEFECTS. Identifiers: Orphanet 1225, MedGen C0265308, MONDO:0009039, OMIM 218600.

Submissions (2):

Ambry Genetics
Classification: Uncertain significance for Inborn genetic diseases. Last evaluated: 2025-09-12. Review status: criteria provided, single submitter. Criteria: Ambry Variant Classification Scheme 2023. Collection method: clinical testing. Allele origin: germline.
Comment: The p.P592A variant (also known as c.1774C>G), located in coding exon 11 of the RECQL4 gene, results from a C to G substitution at nucleotide position 1774. The proline at codon 592 is replaced by alanine, an amino acid with highly similar properties. This amino acid position is conserved. In addition, this alteration is predicted to be tolerated by in silico analysis. Based on the available evidence, the clinical significance of this variant remains unclear.

Labcorp Genetics (formerly Invitae), Labcorp
Classification: Uncertain significance for Baller-Gerold syndrome. Last evaluated: 2022-02-28. Review status: criteria provided, single submitter. Criteria: Invitae Variant Classification Sherloc (09022015). Collection method: clinical testing. Allele origin: germline.
Comment: In summary, the available evidence is currently insufficient to determine the role of this variant in disease. Therefore, it has been classified as a Variant of Uncertain Significance. Experimental studies and prediction algorithms are not available or were not evaluated, and the functional significance of this variant is currently unknown. This variant has not been reported in the literature in individuals affected with RECQL4-related conditions. This variant is not present in population databases (gnomAD no frequency). This sequence change replaces proline, which is neutral and non-polar, with alanine, which is neutral and non-polar, at codon 592 of the RECQL4 protein (p.Pro592Ala).